The following is an entry in ClinVar:

NM_000388.4(CASR):c.1817T>C (p.Leu606Pro)

Gene: CASR (calcium sensing receptor; plus strand). Cytogenetic location: 3q21.1.
Variant type: single nucleotide variant.
Coding change: c.1817T>C on transcript NM_000388.4 (MANE Select); coding-DNA position 1817, T replaced by C.
Protein change: p.Leu606Pro; replaces leucine 606 with proline.
Molecular consequence: missense variant.
Genome position (GRCh38, 1-based): chr3:122,283,771, T>C. VCF-style: chr3-122283771-T-C. GRCh37 (hg19) VCF-style: chr3-122002618-T-C.
Other names: c.1847T>C, p.Leu616Pro (NM_001178065.2); short protein forms L606P, L616P.
Identifiers: ClinVar variation 1417107 (VCV001417107.10), dbSNP rs2107649441, ClinGen allele CA354157480.

ClinVar aggregate classification (germline): Uncertain significance. Review status: criteria provided, multiple submitters, no conflicts (2 of 4 stars). 2 submissions from 2 submitters: Uncertain significance (2). Last evaluated 2021-09-01.

Conditions:
Autosomal dominant hypocalcemia 1 (HYPOC1). Also called: HYPOCALCEMIA, FAMILIAL. Identifiers: MedGen C3715128, MONDO:0011013, OMIM 601198.
Familial hypocalciuric hypercalcemia (FHH). Also called: Familial benign hypercalcemia. Identifiers: Orphanet 405, MedGen C1809471, MONDO:0018458.
Nephrolithiasis/nephrocalcinosis. Identifiers: MedGen CN580796.

Submissions (2):

Ambry Genetics
Classification: Uncertain significance for Nephrolithiasis/nephrocalcinosis. Last evaluated: 2021-09-01. Review status: criteria provided, single submitter. Criteria: Ambry Variant Classification Scheme 2023. Collection method: clinical testing. Allele origin: germline.
Comment: The p.L606P variant (also known as c.1817T>C), located in coding exon 6 of the CASR gene, results from a T to C substitution at nucleotide position 1817. The leucine at codon 606 is replaced by proline, an amino acid with similar properties. This amino acid position is conserved. In addition, this alteration is predicted to be deleterious by in silico analysis. Since supporting evidence is limited at this time, the clinical significance of this alteration remains unclear.

Labcorp Genetics (formerly Invitae), Labcorp
Classification: Uncertain significance for Familial hypocalciuric hypercalcemia; Autosomal dominant hypocalcemia 1. Last evaluated: 2020-11-03. Review status: criteria provided, single submitter. Criteria: Invitae Variant Classification Sherloc (09022015). Collection method: clinical testing. Allele origin: germline.
Comment: Algorithms developed to predict the effect of missense changes on protein structure and function (SIFT, PolyPhen-2, Align-GVGD) all suggest that this variant is likely to be disruptive, but these predictions have not been confirmed by published functional studies and their clinical significance is uncertain. In summary, the available evidence is currently insufficient to determine the role of this variant in disease. Therefore, it has been classified as a Variant of Uncertain Significance. This variant has not been reported in the literature in individuals with CASR-related conditions. This variant is not present in population databases (ExAC no frequency). This sequence change replaces leucine with proline at codon 606 of the CASR protein (p.Leu606Pro). The leucine residue is highly conserved and there is a moderate physicochemical difference between leucine and proline.